The following is an entry in ClinVar:

ClinVar aggregate classification (germline): Likely benign. Review status: criteria provided, multiple submitters, no conflicts (2 of 4 stars). 2 submissions from 2 submitters: Likely benign (2). Last evaluated 2025-03-27.

Allele frequency attached by ClinVar (database versions not stated): gnomAD 0.00001; gnomAD exomes 0.00001 and 0.00003; ExAC 0.00002.
gnomAD v4.1: 40 of 1,612,280 alleles (0.0025%); highest among the groups gnomAD compares: African/African-American, 0.004%; no homozygotes.

Submissions (2):

Labcorp Genetics (formerly Invitae), Labcorp
Classification: Likely benign. Last evaluated: 2025-03-27. Review status: criteria provided, single submitter. Criteria: Invitae Variant Classification Sherloc (09022015). Collection method: clinical testing. Allele origin: germline.

CeGaT Center for Human Genetics Tuebingen
Classification: Likely benign. Last evaluated: 2022-11-01. Review status: criteria provided, single submitter. Criteria: CeGaT Center For Human Genetics Tuebingen Variant Classification Criteria Version 2. Collection method: clinical testing. Allele origin: germline. Affected: yes. Observed: 1 variant allele.
Comment: NLRP1: BP4, BP7

NM_033004.4(NLRP1):c.2946C>T (p.Leu982=)

Gene: NLRP1 (NLR family pyrin domain containing 1; minus strand). Cytogenetic location: 17p13.2.
Variant type: single nucleotide variant.
Coding change: c.2946C>T on transcript NM_033004.4 (MANE Select); coding-DNA position 2946, C replaced by T.
Protein change: p.Leu982=; no amino-acid change (leucine 982 retained).
Molecular consequence: synonymous variant. On other transcripts: intron variant (2).
Genome position (GRCh38, 1-based): chr17:5,536,865, G>A on the plus strand (C>T on the coding strand, the complement: NLRP1 is on the minus strand). VCF-style: chr17-5536865-G-A. GRCh37 (hg19) VCF-style: chr17-5440185-G-A.
Other names: c.2946C>T, p.Leu982= (NM_001033053.3, NM_014922.5); c.2870+2550C>T (NM_033007.4, NM_033006.4).
Identifiers: ClinVar variation 1640033 (VCV001640033.32), dbSNP rs200772292, ClinGen allele CA8327001.